The following is an entry in ClinVar:

ClinVar aggregate classification (germline): Uncertain significance (1 of 4 stars; one submission).

Allele frequency attached by ClinVar (database versions not stated): gnomAD exomes below 0.00001.
gnomAD v4.1: 1 of 1,613,442 alleles (0.000062%); highest among the groups gnomAD compares: East Asian, 0.0022%; no homozygotes.

Submission:

Ambry Genetics
Classification: Uncertain significance. Last evaluated: 2022-12-07. Review status: criteria provided, single submitter. Criteria: Ambry Variant Classification Scheme 2023. Collection method: clinical testing. Allele origin: germline.
Comment: The p.L1068V variant (also known as c.3202C>G), located in coding exon 27 of the PRKDC gene, results from a C to G substitution at nucleotide position 3202. The leucine at codon 1068 is replaced by valine, an amino acid with highly similar properties. This amino acid position is conserved. In addition, the in silico prediction for this alteration is inconclusive. Since supporting evidence is limited at this time, the clinical significance of this alteration remains unclear.

NM_006904.7(PRKDC):c.3202C>G (p.Leu1068Val)

Gene: PRKDC (protein kinase, DNA-activated, catalytic subunit; minus strand). Cytogenetic location: 8q11.21.
Variant type: single nucleotide variant.
Coding change: c.3202C>G on transcript NM_006904.7 (MANE Select); coding-DNA position 3202, C replaced by G.
Protein change: p.Leu1068Val; replaces leucine 1068 with valine.
Molecular consequence: missense variant.
Genome position (GRCh38, 1-based): chr8:47,902,636, G>C on the plus strand (C>G on the coding strand, the complement: PRKDC is on the minus strand). VCF-style: chr8-47902636-G-C. GRCh37 (hg19) VCF-style: chr8-48815196-G-C.
Other names: c.3202C>G, p.Leu1068Val (NM_001081640.2); short protein forms L1068V.
Identifiers: ClinVar variation 2449833 (VCV002449833.2), dbSNP rs2551875558, ClinGen allele CA371156701.